The following is an entry in ClinVar:

NM_001110556.2(FLNA):c.1429+9G>A

Gene: FLNA (filamin A; minus strand). Cytogenetic location: Xq28.
Variant type: single nucleotide variant.
Coding change: c.1429+9G>A on transcript NM_001110556.2 (MANE Select); 9 bases into the intron after coding-DNA position 1429, G replaced by A.
Molecular consequence: intron variant.
Genome position (GRCh38, 1-based): chrX:154,366,015, C>T on the plus strand (G>A on the coding strand, the complement: FLNA is on the minus strand). VCF-style: chrX-154366015-C-T. GRCh37 (hg19) VCF-style: chrX-153594383-C-T.
Other names: p.?; c.1429+9G>A (NM_001456.4).
Identifiers: ClinVar variation 701132 (VCV000701132.15), dbSNP rs782226711, ClinGen allele CA10561187.

ClinVar aggregate classification (germline): Likely benign. Review status: criteria provided, multiple submitters, no conflicts (2 of 4 stars). 5 submissions from 5 submitters: Likely benign (5). Last evaluated 2026-01-26.

Conditions:
Oto-palato-digital syndrome, type II (OPD2). Also called: FACIOPALATOOSSEOUS SYNDROME; OPD II SYNDROME; Otopalatodigital Syndrome, Type II; Otopalatodigital Syndrome Type 2 (FLNA-OPD2). Identifiers: Orphanet 669, Orphanet 90652, MedGen C1844696, MONDO:0010571, OMIM 304120.
Frontometaphyseal dysplasia (FMD1). Identifiers: Orphanet 1826, MedGen C0265293, MONDO:0015942.
Heterotopia, periventricular, X-linked dominant (PVNH1). Also called: PERIVENTRICULAR NODULAR HETEROTOPIA 1; PERIVENTRICULAR NODULAR HETEROTOPIA 4; HETEROTOPIA, PERIVENTRICULAR, 1; X-linked periventricular heterotopia. Identifiers: Orphanet 2149, Orphanet 82004, MedGen C1848213, MONDO:0010233, OMIM 300049.
Melnick-Needles syndrome (MNS). Also called: MELNICK-NEEDLES OSTEODYSPLASTY; OSTEODYSPLASTY OF MELNICK AND NEEDLES; Melnick-Needles Syndrome (FLNA-MNS). Identifiers: Orphanet 2484, MedGen C0025237, MONDO:0010650, OMIM 309350.

Allele frequency attached by ClinVar (database versions not stated): gnomAD exomes 0.00002 and 0.00007; gnomAD 0.00004; ExAC 0.00007; TOPMed 0.00008.
gnomAD v4.1: 75 of 1,192,528 alleles (0.0063%); highest among the groups gnomAD compares: Non-Finnish European, 0.008%; no homozygotes.

Submissions (5):

Labcorp Genetics (formerly Invitae), Labcorp
Classification: Likely benign for Oto-palato-digital syndrome, type II; Heterotopia, periventricular, X-linked dominant; Frontometaphyseal dysplasia; Melnick-Needles syndrome. Last evaluated: 2026-01-26. Review status: criteria provided, single submitter. Criteria: Invitae Variant Classification Sherloc (09022015). Collection method: clinical testing. Allele origin: germline.

Mayo Clinic Laboratories, Mayo Clinic
Classification: Likely benign. Last evaluated: 2025-04-22. Review status: criteria provided, single submitter. Criteria: ACMG Guidelines, 2015. Collection method: clinical testing. Allele origin: germline. Observed: 1 variant allele.
Comment: BS2, BP4, BP7

Women's Health and Genetics/Laboratory Corporation of America, LabCorp
Classification: Likely benign. Last evaluated: 2024-10-06. Review status: criteria provided, single submitter. Criteria: LabCorp Variant Classification Summary - May 2015. Collection method: clinical testing. Allele origin: germline.

Blueprint Genetics
Classification: Likely benign. Last evaluated: 2023-10-24. Review status: criteria provided, single submitter. Criteria: ACMG Guidelines, 2015. Collection method: clinical testing. Allele origin: germline.

ARUP Laboratories, Molecular Genetics and Genomics, ARUP Laboratories
Classification: Likely benign. Last evaluated: 2023-05-08. Review status: criteria provided, single submitter. Criteria: ARUP Molecular Germline Variant Investigation Process 2024. Collection method: clinical testing. Allele origin: germline.